The following is an entry in ClinVar:

ClinVar aggregate classification (germline): Uncertain significance. Review status: criteria provided, multiple submitters, no conflicts (2 of 4 stars). 5 submissions from 5 submitters: Uncertain significance (4). 1 of the submissions does not count toward it. Last evaluated 2025-12-17.

Conditions:
POLE-related disorder. Also called: POLE-related disorders; POLE-related condition.
Hereditary cancer-predisposing syndrome. Also called: Hereditary Cancer Syndrome; Hereditary neoplastic syndrome; Neoplastic Syndromes, Hereditary; Tumor predisposition. Identifiers: Orphanet 140162, MedGen C0027672, MeSH D009386, MONDO:0015356.

Allele frequency attached by ClinVar (database versions not stated): gnomAD exomes below 0.00001; gnomAD 0.00001; TOPMed 0.00003; ESP Exome Variant Server 0.00008.
gnomAD v4.1: 5 of 1,613,878 alleles (0.00031%); highest among the groups gnomAD compares: African/African-American, 0.0013%; no homozygotes.

Submissions (5):

Labcorp Genetics (formerly Invitae), Labcorp
Classification: Uncertain significance. Last evaluated: 2025-12-17. Review status: criteria provided, single submitter. Criteria: Invitae Variant Classification Sherloc (09022015). Collection method: clinical testing. Allele origin: germline.
Comment: This sequence change replaces serine, which is neutral and polar, with cysteine, which is neutral and slightly polar, at codon 1075 of the POLE protein (p.Ser1075Cys). This variant is not present in population databases (gnomAD no frequency). This variant has not been reported in the literature in individuals affected with POLE-related conditions. ClinVar contains an entry for this variant (Variation ID: 405611). Invitae Evidence Modeling of protein sequence and biophysical properties (such as structural, functional, and spatial information, amino acid conservation, physicochemical variation, residue mobility, and thermodynamic stability) indicates that this missense variant is not expected to disrupt POLE protein function with a negative predictive value of 80%. In summary, the available evidence is currently insufficient to determine the role of this variant in disease. Therefore, it has been classified as a Variant of Uncertain Significance.

Ambry Genetics
Classification: Uncertain significance for Hereditary cancer-predisposing syndrome. Last evaluated: 2025-01-14. Review status: criteria provided, single submitter. Criteria: Ambry Variant Classification Scheme 2023. Collection method: clinical testing. Allele origin: germline.
Comment: The p.S1075C variant (also known as c.3223A>T), located in coding exon 26 of the POLE gene, results from an A to T substitution at nucleotide position 3223. The serine at codon 1075 is replaced by cysteine, an amino acid with dissimilar properties. This amino acid position is highly conserved in available vertebrate species. In addition, the in silico prediction for this alteration is inconclusive. Based on the available evidence, the clinical significance of this variant remains unclear.

GeneDx
Classification: Uncertain significance. Last evaluated: 2024-05-31. Review status: criteria provided, single submitter. Criteria: GeneDx Variant Classification Process June 2021. Collection method: clinical testing. Allele origin: germline. Affected: yes.
Comment: Has not been previously published as pathogenic or benign to our knowledge; Not observed at significant frequency in large population cohorts (gnomAD); In silico analysis supports that this missense variant has a deleterious effect on protein structure/function; This variant is associated with the following publications: (PMID: 31034466)

Laboratory for Molecular Medicine, Mass General Brigham Personalized Medicine
Classification: Uncertain significance. Last evaluated: 2016-12-28. Review status: criteria provided, single submitter. Criteria: LMM Criteria. Collection method: clinical testing. Allele origin: germline. Observed: 1 variant allele.
Comment: The p.Ser1075Cys variant in POLE has not been previously reported in individuals with colorectal cancer, but has been identified in 1/8600 of European American chromosomes by the NHLBI Exome Sequencing Project (EVS/; dbSNP rs145680387). Computational prediction tools and conservation analys is suggest that the p.Ser1075Cys variant may impact the protein, though this inf ormation is not predictive enough to determine pathogenicity. In summary, the cl inical significance of the p.Ser1075Cys variant is uncertain.

PreventionGenetics, part of Exact Sciences
Classification: Uncertain significance for POLE-related condition. Last evaluated: 2024-08-23. Review status: no assertion criteria provided. Collection method: clinical testing. Allele origin: germline. Not counted in ClinVar's aggregate classification.
Comment: The POLE c.3223A>T variant is predicted to result in the amino acid substitution p.Ser1075Cys. To our knowledge, this variant has not been reported in the literature or in a large population database, indicating this variant is rare. At this time, the clinical significance of this variant is uncertain due to the absence of conclusive functional and genetic evidence.

NM_006231.4(POLE):c.3223A>T (p.Ser1075Cys)

Gene: POLE (DNA polymerase epsilon, catalytic subunit; minus strand). Cytogenetic location: 12q24.33.
Variant type: single nucleotide variant.
Coding change: c.3223A>T on transcript NM_006231.4 (MANE Select); coding-DNA position 3223, A replaced by T.
Protein change: p.Ser1075Cys; replaces serine 1075 with cysteine.
Molecular consequence: missense variant.
Genome position (GRCh38, 1-based): chr12:132,659,347, T>A on the plus strand (A>T on the coding strand, the complement: POLE is on the minus strand). VCF-style: chr12-132659347-T-A. GRCh37 (hg19) VCF-style: chr12-133235933-T-A.
Other names: short protein forms S1075C.
Identifiers: ClinVar variation 405611 (VCV000405611.22), dbSNP rs145680387, ClinGen allele CA16613881.